The following is an entry in ClinVar:

ClinVar aggregate classification (germline): Uncertain significance (1 of 4 stars; one submission).

Conditions:
Autosomal recessive ataxia, Beauce type. Also called: Spinocerebellar ataxia, autosomal recessive 8; ATAXIA, RECESSIVE, OF BEAUCE; SYNE1-Related Autosomal Recessive Cerebellar Ataxia; SYNE1 Deficiency. Identifiers: Orphanet 88644, MedGen C1853116, MONDO:0012549, OMIM 610743.
Emery-Dreifuss muscular dystrophy 4, autosomal dominant (EDMD4). Also called: EMERY-DREIFUSS MUSCULAR DYSTROPHY 4 WITH VARIABLE FEATURES. Identifiers: Orphanet 261, MedGen C2751807, MONDO:0013071, OMIM 612998.

gnomAD v4.1: 2 of 1,614,126 alleles (0.00012%); highest among the groups gnomAD compares: Non-Finnish European, 0.00017%; no homozygotes.

Submission:

Labcorp Genetics (formerly Invitae), Labcorp
Classification: Uncertain significance for Emery-Dreifuss muscular dystrophy 4, autosomal dominant; Autosomal recessive ataxia, Beauce type. Last evaluated: 2022-04-04. Review status: criteria provided, single submitter. Criteria: Invitae Variant Classification Sherloc (09022015). Collection method: clinical testing. Allele origin: germline.
Comment: In summary, the available evidence is currently insufficient to determine the role of this variant in disease. Therefore, it has been classified as a Variant of Uncertain Significance. Algorithms developed to predict the effect of missense changes on protein structure and function are either unavailable or do not agree on the potential impact of this missense change (SIFT: "Deleterious"; PolyPhen-2: "Probably Damaging"; Align-GVGD: "Class C0"). This variant has not been reported in the literature in individuals affected with SYNE1-related conditions. This variant is not present in population databases (gnomAD no frequency). This sequence change replaces arginine, which is basic and polar, with leucine, which is neutral and non-polar, at codon 7993 of the SYNE1 protein (p.Arg7993Leu).

NM_182961.4(SYNE1):c.24191G>T (p.Arg8064Leu)

Gene: SYNE1 (spectrin repeat containing nuclear envelope protein 1; minus strand). Cytogenetic location: 6q25.2.
Variant type: single nucleotide variant.
Coding change: c.24191G>T on transcript NM_182961.4 (MANE Select); coding-DNA position 24191, G replaced by T.
Protein change: p.Arg8064Leu; replaces arginine 8064 with leucine.
Molecular consequence: missense variant.
Genome position (GRCh38, 1-based): chr6:152,152,080, C>A on the plus strand (G>T on the coding strand, the complement: SYNE1 is on the minus strand). VCF-style: chr6-152152080-C-A. GRCh37 (hg19) VCF-style: chr6-152473215-C-A.
Other names: c.797G>T, p.Arg266Leu (NM_001347701.2); c.656G>T, p.Arg219Leu (NM_001347702.2); c.23978G>T, p.Arg7993Leu (NM_033071.5); short protein forms R219L, R266L, R7993L, R8064L.
Identifiers: ClinVar variation 2422514 (VCV002422514.6), dbSNP rs1042685641, ClinGen allele CA366087081.
Genomic context (GRCh38, chr6:152,152,080, plus strand): 5'-TCGTGAACCATCTGTTTGAGGCTACATGCTGAATCAGTGCGGTTCTCCCTGGCCAGGCGG[C>A]GGTACTGCTTGTTGATCAGTTCCAGCTGCGTCAGGCACTCGTGGACCTGTCGCTGGAAAG-3'
Protein context (NP_892006.3, residues 8054-8074): TQLELINKQY[Arg8064Leu]RLARENRTDS